The following is an entry in ClinVar:

NM_000535.7(PMS2):c.135C>G (p.Asn45Lys)

Gene: PMS2 (PMS1 homolog 2, mismatch repair system component; minus strand). Cytogenetic location: 7p22.1.
Variant type: single nucleotide variant.
Coding change: c.135C>G on transcript NM_000535.7 (MANE Select); coding-DNA position 135, C replaced by G.
Protein change: p.Asn45Lys; replaces asparagine 45 with lysine.
Molecular consequence: missense variant. On other transcripts: 5 prime UTR variant (8), non-coding transcript variant (1), intron variant (3).
Genome position (GRCh38, 1-based): chr7:6,005,920, G>C on the plus strand (C>G on the coding strand, the complement: PMS2 is on the minus strand). VCF-style: chr7-6005920-G-C. GRCh37 (hg19) VCF-style: chr7-6045551-G-C.
Other names: c.-271C>G (NM_001322003.2, NM_001322005.2, NM_001322009.2 and 1 more transcripts); c.135C>G, p.Asn45Lys (NM_001322006.2, NM_001322014.2); c.-81C>G (NM_001322007.2); c.-750C>G (NM_001322011.2, NM_001322012.2); c.-350C>G (NM_001322015.2); c.-52-1862C>G (NM_001322008.2); c.-242-1862C>G (NM_001322010.2, NM_001322004.2); short protein forms N45K.
Identifiers: ClinVar variation 492251 (VCV000492251.6), dbSNP rs1408915250, ClinGen allele CA366744995.

ClinVar aggregate classification (germline): Uncertain significance (1 of 4 stars; one submission).

Conditions:
Hereditary cancer-predisposing syndrome. Also called: Hereditary neoplastic syndrome; Tumor predisposition; Hereditary Cancer Syndrome; Neoplastic Syndromes, Hereditary. Identifiers: Orphanet 140162, MedGen C0027672, MeSH D009386, MONDO:0015356.

Submission:

Color Diagnostics, LLC DBA Color Health
Classification: Uncertain significance for Hereditary cancer-predisposing syndrome. Last evaluated: 2023-12-05. Review status: criteria provided, single submitter. Criteria: ACMG Guidelines, 2015. Collection method: clinical testing. Allele origin: germline.
Comment: This missense variant replaces asparagine with lysine at codon 45 of the PMS2 protein. Computational prediction suggests that this variant may have deleterious impact on protein structure and function (internally defined REVEL score threshold >= 0.7, PMID: 27666373). To our knowledge, functional studies have not been reported for this variant. This variant has not been reported in individuals affected with PMS2-related disorders in the literature. This variant has not been identified in the general population by the Genome Aggregation Database (gnomAD). The available evidence is insufficient to determine the role of this variant in disease conclusively. Therefore, this variant is classified as a Variant of Uncertain Significance.